The following is an entry in ClinVar:

ClinVar aggregate classification (germline): Uncertain significance. Review status: criteria provided, multiple submitters, no conflicts (2 of 4 stars). 3 submissions from 3 submitters: Uncertain significance (3). Last evaluated 2024-01-16.

Conditions:
Inborn genetic diseases. Identifiers: MedGen C0950123, MeSH D030342.

Allele frequency attached by ClinVar (database versions not stated): ExAC 0.00001; gnomAD exomes 0.00001; gnomAD 0.00002; TOPMed 0.00004; ESP Exome Variant Server 0.00008.
gnomAD v4.1: 5 of 1,610,898 alleles (0.00031%); highest among the groups gnomAD compares: Middle Eastern, 0.017%; no homozygotes.

Submissions (3):

Ambry Genetics
Classification: Uncertain significance for Inborn genetic diseases. Last evaluated: 2024-01-16. Review status: criteria provided, single submitter. Criteria: Ambry Variant Classification Scheme 2023. Collection method: clinical testing. Allele origin: germline.

Blueprint Genetics
Classification: Uncertain significance. Last evaluated: 2023-06-16. Review status: criteria provided, single submitter. Criteria: ACMG Guidelines, 2015. Collection method: clinical testing. Allele origin: germline.

Labcorp Genetics (formerly Invitae), Labcorp
Classification: Uncertain significance for Combined immunodeficiency due to DOCK8 deficiency. Last evaluated: 2022-07-26. Review status: criteria provided, single submitter. Criteria: Invitae Variant Classification Sherloc (09022015). Collection method: clinical testing. Allele origin: germline.
Comment: In summary, the available evidence is currently insufficient to determine the role of this variant in disease. Therefore, it has been classified as a Variant of Uncertain Significance. Algorithms developed to predict the effect of missense changes on protein structure and function are either unavailable or do not agree on the potential impact of this missense change (SIFT: "Deleterious"; PolyPhen-2: "Possibly Damaging"; Align-GVGD: "Class C0"). ClinVar contains an entry for this variant (Variation ID: 1045093). This variant has not been reported in the literature in individuals affected with DOCK8-related conditions. This variant is present in population databases (rs375178634, gnomAD 0.01%). This sequence change replaces valine, which is neutral and non-polar, with methionine, which is neutral and non-polar, at codon 132 of the DOCK8 protein (p.Val132Met).

NM_203447.4(DOCK8):c.394G>A (p.Val132Met)

Gene: DOCK8 (dedicator of cytokinesis 8; plus strand). Cytogenetic location: 9p24.3.
Variant type: single nucleotide variant.
Coding change: c.394G>A on transcript NM_203447.4 (MANE Select); coding-DNA position 394, G replaced by A.
Protein change: p.Val132Met; replaces valine 132 with methionine.
Molecular consequence: missense variant.
Genome position (GRCh38, 1-based): chr9:289,571, G>A. VCF-style: chr9-289571-G-A. GRCh37 (hg19) VCF-style: chr9-289571-G-A.
Other names: c.190G>A, p.Val64Met (NM_001190458.2, NM_001193536.2); c.394G>A (NM_203447.3); short protein forms V132M, V64M.
Identifiers: ClinVar variation 1045093 (VCV001045093.10), dbSNP rs375178634, ClinGen allele CA4957204.
Genomic context (GRCh38, chr9:289,571, plus strand): 5'-GTTGAACTGGACCCTCATGTCAGGGACTGTGTTCAGACCTACATCCGTGAGTGGCTAATC[G>A]TGAACCGGAAGTAAGTTACTTTTTTTCCACTTTTTGTATATAAATATTAATTTTATATTG-3'
Protein context (NP_982272.2, residues 122-142): VQTYIREWLI[Val132Met]NRKNQGSPEI